The following is an entry in ClinVar:

ClinVar aggregate classification (germline): Benign/Likely benign. Review status: criteria provided, multiple submitters, no conflicts (2 of 4 stars). 5 submissions from 5 submitters: Benign (1); Likely benign (4). Last evaluated 2026-01-21.

Conditions:
Inborn genetic diseases. Identifiers: MedGen C0950123, MeSH D030342.
Allan-Herndon-Dudley syndrome (AHDS). Also called: MENTAL RETARDATION AND MUSCULAR ATROPHY; Passos-Bueno syndrome; ALLAN-HERNDON SYNDROME; T3 RESISTANCE; TRIIODOTHYRONINE RESISTANCE. Identifiers: Orphanet 59, MedGen C0795889, MONDO:0010354, OMIM 300523.
Spastic paraplegia. Identifiers: MedGen C0037772, HP:0001258.

Allele frequency attached by ClinVar (database versions not stated): gnomAD exomes 0.00011 and 0.00033; 1000 Genomes Project 30x 0.00021; ExAC 0.00021; 1000 Genomes Project 0.00026; gnomAD 0.00047 and 0.00048; TOPMed 0.00069.
gnomAD v4.1: 179 of 1,210,501 alleles (0.015%); highest among the groups gnomAD compares: Admixed American, 0.23%; 2 homozygotes.

Submissions (5):

Labcorp Genetics (formerly Invitae), Labcorp
Classification: Likely benign for Spastic paraplegia. Last evaluated: 2026-01-21. Review status: criteria provided, single submitter. Criteria: Invitae Variant Classification Sherloc (09022015). Collection method: clinical testing. Allele origin: germline.

CeGaT Center for Human Genetics Tuebingen
Classification: Likely benign. Last evaluated: 2025-10-01. Review status: criteria provided, single submitter. Criteria: CeGaT Center For Human Genetics Tuebingen Variant Classification Criteria Version 2. Collection method: clinical testing. Allele origin: germline. Affected: yes. Observed: 1 variant allele.
Comment: SLC16A2: BP4, BS2

Department of Pathology and Laboratory Medicine, Sinai Health System
Classification: Likely benign for Allan-Herndon-Dudley syndrome. Last evaluated: 2023-06-21. Review status: criteria provided, single submitter. Criteria: ACMG Guidelines, 2015. Collection method: research. Allele origin: germline.

Ambry Genetics
Classification: Benign for Inborn genetic diseases. Last evaluated: 2018-08-15. Review status: criteria provided, single submitter. Criteria: Ambry Variant Classification Scheme 2023. Collection method: clinical testing. Allele origin: germline.

Breakthrough Genomics
Classification: Likely benign. Review status: criteria provided, single submitter. Criteria: ACMG Guidelines, 2015. Collection method: not provided. Allele origin: germline. Inheritance: X-linked inheritance. Affected: yes.

NM_006517.5(SLC16A2):c.538G>A (p.Val180Ile)

Gene: SLC16A2 (solute carrier family 16 member 2; plus strand). Cytogenetic location: Xq13.2.
Variant type: single nucleotide variant.
Coding change: c.538G>A on transcript NM_006517.5 (MANE Select); coding-DNA position 538, G replaced by A.
Protein change: p.Val180Ile; replaces valine 180 with isoleucine.
Molecular consequence: missense variant.
Genome position (GRCh38, 1-based): chrX:74,521,097, G>A. VCF-style: chrX-74521097-G-A. GRCh37 (hg19) VCF-style: chrX-73740932-G-A.
Other names: short protein forms V180I.
Identifiers: ClinVar variation 458241 (VCV000458241.19), dbSNP rs759933264, ClinGen allele CA10454420.